The following is an entry in ClinVar:

ClinVar aggregate classification (germline): Likely pathogenic (1 of 4 stars; one submission).

Conditions:
Developmental delay, impaired speech, and behavioral abnormalities. Identifiers: MedGen C5561957, MONDO:0859178, OMIM 619475.

Submission:

Illumina Laboratory Services, Illumina
Classification: Likely pathogenic for Developmental delay, impaired speech, and behavioral abnormalities. Last evaluated: 2021-08-06. Review status: criteria provided, single submitter. Criteria: ICSLVariantClassificationCriteria RUGD 01 April 2020. Collection method: clinical testing. Allele origin: unknown.
Comment: The SPTBN1 c.3941dupT p.(Leu1314PhefsTer1) variant causes a shift in the protein reading frame that is predicted to result in premature termination of the protein. Loss of normal protein function through either protein truncation or nonsense-mediated mRNA decay is expected. To our knowledge, this variant has not been reported in the peer-reviewed literature. This variant is not observed in version 2.1.1 or version 3.1.2 of the Genome Aggregation Database. The p.(Leu1314PhefsTer18) variant is located in one of the functionally important spectrin repeats of the protein, SR10 (Cousin et al. 2021). Based on the available evidence, the c.3941dupT p.(Leu1314PhefsTer1) variant is classified as likely pathogenic for developmental delay, impaired speech, and behavioral abnormalities.

NM_003128.3(SPTBN1):c.3941dup (p.Leu1314fs)

Gene: SPTBN1 (spectrin beta, non-erythrocytic 1; plus strand). Cytogenetic location: 2p16.2.
Variant type: Duplication.
Coding change: c.3941dup on transcript NM_003128.3 (MANE Select); coding-DNA position 3941, one base duplicated (T; older notation c.3941dupT).
Protein change: p.Leu1314fs; shifts the reading frame from leucine 1314.
Molecular consequence: frameshift variant.
Genome position (GRCh38, 1-based): chr2:54,643,065, T duplicated; the last of 2 consecutive T bases (chr2:54,643,064-54,643,065); duplicating either gives the same sequence. VCF-style (leftmost placement, unchanged base first): chr2-54643063-G-GT. GRCh37 (hg19) VCF-style: chr2-54870200-G-GT.
Other names: c.3902dup, p.Leu1301fs (NM_178313.3); short protein forms L1301fs, L1314fs.
Identifiers: ClinVar variation 3062034 (VCV003062034.1), dbSNP rs2549551292, ClinGen allele CA2740095607.